The following is an entry in ClinVar:

NM_001371986.1(UNC80):c.3274C>T (p.Leu1092Phe)

Gene: UNC80 (unc-80 homolog, NALCN channel complex subunit; plus strand). Cytogenetic location: 2q34.
Variant type: single nucleotide variant.
Coding change: c.3274C>T on transcript NM_001371986.1 (MANE Select); coding-DNA position 3274, C replaced by T.
Protein change: p.Leu1092Phe; replaces leucine 1092 with phenylalanine.
Molecular consequence: missense variant.
Genome position (GRCh38, 1-based): chr2:209,840,565, C>T. VCF-style: chr2-209840565-C-T. GRCh37 (hg19) VCF-style: chr2-210705289-C-T.
Other names: c.3280C>T, p.Leu1094Phe (NM_032504.2); c.3265C>T, p.Leu1089Phe (NM_182587.4); short protein forms L1092F, L1089F, L1094F.
Identifiers: ClinVar variation 1425657 (VCV001425657.7), dbSNP rs2153829282, ClinGen allele CA350730786.
Genomic context (GRCh38, chr2:209,840,565, plus strand): 5'-ATGCTACATTGATCTAAGTGATTTAACTATTAAATAGGGAACTGGCTGAAGAGATCATCC[C>T]TCTCAGGCCTGGCAGATGGTGTGGAGGACCTCCTGGACATTAGCTCTGTGGACCGACTCT-3'
Protein context (NP_001358915.1, residues 1082-1102): PIGNWLKRSS[Leu1092Phe]SGLADGVEDL

ClinVar aggregate classification (germline): Uncertain significance (1 of 4 stars; one submission).

gnomAD v4.1: 2 of 1,551,774 alleles (0.00013%); highest among the groups gnomAD compares: Non-Finnish European, 0.00017%; no homozygotes.

Submission:

Labcorp Genetics (formerly Invitae), Labcorp
Classification: Uncertain significance. Last evaluated: 2024-02-16. Review status: criteria provided, single submitter. Criteria: Invitae Variant Classification Sherloc (09022015). Collection method: clinical testing. Allele origin: germline.
Comment: This sequence change replaces leucine, which is neutral and non-polar, with phenylalanine, which is neutral and non-polar, at codon 1094 of the UNC80 protein (p.Leu1094Phe). This variant is not present in population databases (gnomAD no frequency). This variant has not been reported in the literature in individuals affected with UNC80-related conditions. ClinVar contains an entry for this variant (Variation ID: 1425657). An algorithm developed to predict the effect of missense changes on protein structure and function (PolyPhen-2) suggests that this variant is likely to be disruptive. In summary, the available evidence is currently insufficient to determine the role of this variant in disease. Therefore, it has been classified as a Variant of Uncertain Significance.